The following is an entry in ClinVar:

NM_031857.2(PCDHA9):c.330A>G (p.Val110=)

Genes: PCDHA1 (protocadherin alpha 1; plus strand), PCDHA2 (protocadherin alpha 2; plus strand), PCDHA3 (protocadherin alpha 3; plus strand), PCDHA4 (protocadherin alpha 4; plus strand), PCDHA5 (protocadherin alpha 5; plus strand) and 5 more. Cytogenetic location: 5q31.3.
Variant type: single nucleotide variant.
Coding change: c.330A>G on transcript NM_031857.2 (MANE Select); coding-DNA position 330, A replaced by G.
Protein change: p.Val110=; no amino-acid change (valine 110 retained).
Molecular consequence: synonymous variant. On other transcripts: intron variant (10).
Genome position (GRCh38, 1-based): chr5:140,848,825, A>G. VCF-style: chr5-140848825-A-G. GRCh37 (hg19) VCF-style: chr5-140228410-A-G.
Other names: c.330A>G, p.Val110= (NM_014005.5); c.2394+60141A>G (NM_018900.4); c.1602+60933A>G (NM_031411.3); c.2388+51473A>G (NM_018905.3); c.2394+45234A>G (NM_018906.3); c.2385+39253A>G (NM_018907.4); c.2352+24698A>G (NM_018908.3); c.2394+18340A>G (NM_018909.4); and 3 more.
Identifiers: ClinVar variation 3059471 (VCV003059471.2), dbSNP rs17844322, ClinGen allele CA3450197.

ClinVar aggregate classification (germline): Likely benign (0 of 4 stars; one submission).

Conditions:
PCDHA9-related disorder. Also called: PCDHA9-related condition.

Submission:

PreventionGenetics, part of Exact Sciences
Classification: Likely benign for PCDHA9-related condition. Last evaluated: 2020-09-24. Review status: no assertion criteria provided. Collection method: clinical testing. Allele origin: germline.
Comment: This variant is classified as likely benign based on ACMG/AMP sequence variant interpretation guidelines (Richards et al. 2015 PMID: 25741868, with internal and published modifications).